The following is an entry in ClinVar:

NM_000264.5(PTCH1):c.3583A>G (p.Thr1195Ala)

Gene: PTCH1 (patched 1; minus strand). Cytogenetic location: 9q22.32.
Variant type: single nucleotide variant.
Coding change: c.3583A>G on transcript NM_000264.5 (MANE Select); coding-DNA position 3583, A replaced by G.
Protein change: p.Thr1195Ala; replaces threonine 1195 with alanine.
Molecular consequence: missense variant. On other transcripts: non-coding transcript variant (1).
Genome position (GRCh38, 1-based): chr9:95,449,290, T>C on the plus strand (A>G on the coding strand, the complement: PTCH1 is on the minus strand). VCF-style: chr9-95449290-T-C. GRCh37 (hg19) VCF-style: chr9-98211572-T-C.
Other names: c.3385A>G, p.Thr1129Ala (NM_001083602.3); c.3580A>G, p.Thr1194Ala (NM_001083603.3); c.3130A>G, p.Thr1044Ala (NM_001083604.3, NM_001083605.3, NM_001083606.3 and 1 more transcripts); c.3427A>G, p.Thr1143Ala (NM_001354918.2); short protein forms T1044A, T1143A, T1129A, T1194A, T1195A.
Identifiers: ClinVar variation 3427275 (VCV003427275.1).

ClinVar aggregate classification (germline): Uncertain significance (1 of 4 stars; one submission).

Conditions:
Hereditary cancer-predisposing syndrome. Also called: Neoplastic Syndromes, Hereditary; Tumor predisposition; Hereditary Cancer Syndrome; Hereditary neoplastic syndrome. Identifiers: Orphanet 140162, MedGen C0027672, MeSH D009386, MONDO:0015356.

gnomAD v4.1: 3 of 1,557,472 alleles (0.00019%); highest among the groups gnomAD compares: South Asian, 0.0035%; no homozygotes.

Submission:

Ambry Genetics
Classification: Uncertain significance for Hereditary cancer-predisposing syndrome. Last evaluated: 2024-09-01. Review status: criteria provided, single submitter. Criteria: Ambry Variant Classification Scheme 2023. Collection method: clinical testing. Allele origin: germline.
Comment: The p.T1195A variant (also known as c.3583A>G), located in coding exon 22 of the PTCH1 gene, results from an A to G substitution at nucleotide position 3583. The threonine at codon 1195 is replaced by alanine, an amino acid with similar properties. This amino acid position is conserved. In addition, the in silico prediction for this alteration is inconclusive. Based on the available evidence, the clinical significance of this variant remains unclear.